The following is an entry in ClinVar:

NM_000051.4(ATM):c.1972G>T (p.Asp658Tyr)

Gene: ATM (ATM serine/threonine kinase; plus strand). Cytogenetic location: 11q22.3.
Variant type: single nucleotide variant.
Coding change: c.1972G>T on transcript NM_000051.4 (MANE Select); coding-DNA position 1972, G replaced by T.
Protein change: p.Asp658Tyr; replaces aspartic acid 658 with tyrosine.
Molecular consequence: missense variant.
Genome position (GRCh38, 1-based): chr11:108,253,887, G>T. VCF-style: chr11-108253887-G-T. GRCh37 (hg19) VCF-style: chr11-108124614-G-T.
Other names: c.1972G>T, p.Asp658Tyr (NM_001351834.2); short protein forms D658Y.
Identifiers: ClinVar variation 3894085 (VCV003894085.1).

ClinVar aggregate classification (germline): Uncertain significance (1 of 4 stars; one submission).

Conditions:
Hereditary cancer-predisposing syndrome. Also called: Neoplastic Syndromes, Hereditary; Tumor predisposition; Hereditary Cancer Syndrome; Hereditary neoplastic syndrome. Identifiers: Orphanet 140162, MedGen C0027672, MeSH D009386, MONDO:0015356.

gnomAD v4.1: 1 of 1,613,990 alleles (0.000062%); highest among the groups gnomAD compares: Non-Finnish European, 0.000085%; no homozygotes.

Submission:

Color Diagnostics, LLC DBA Color Health
Classification: Uncertain significance for Hereditary cancer-predisposing syndrome. Last evaluated: 2024-08-19. Review status: criteria provided, single submitter. Criteria: ACMG Guidelines, 2015. Collection method: clinical testing. Allele origin: germline.
Comment: This missense variant replaces aspartic acid with tyrosine at codon 658 of the ATM protein. Computational prediction suggests that this variant may not impact protein structure and function. To our knowledge, functional studies have not been reported for this variant. This variant has not been reported in individuals affected with ATM-related disorders in the literature. This variant has not been identified in the general population by the Genome Aggregation Database (gnomAD). The available evidence is insufficient to determine the role of this variant in disease conclusively. Therefore, this variant is classified as a Variant of Uncertain Significance.